The following is an entry in ClinVar:

NM_001368809.2(AMPD2):c.1716C>T (p.Ser572=)

Gene: AMPD2 (adenosine monophosphate deaminase 2; plus strand). Cytogenetic location: 1p13.3.
Variant type: single nucleotide variant.
Coding change: c.1716C>T on transcript NM_001368809.2 (MANE Select); coding-DNA position 1716, C replaced by T.
Protein change: p.Ser572=; no amino-acid change (serine 572 retained).
Molecular consequence: synonymous variant.
Genome position (GRCh38, 1-based): chr1:109,629,344, C>T. VCF-style: chr1-109629344-C-T. GRCh37 (hg19) VCF-style: chr1-110171966-C-T.
Other names: c.1524C>T, p.Ser508= (NM_001257361.2); c.1653C>T, p.Ser551= (NM_001308170.1); c.1716C>T, p.Ser572= (NM_004037.9); c.1635C>T, p.Ser545= (NM_139156.4); c.1878C>T (NM_001257360.1).
Identifiers: ClinVar variation 704004 (VCV000704004.28), dbSNP rs116415979, ClinGen allele CA993177.

ClinVar aggregate classification (germline): Benign/Likely benign. Review status: criteria provided, multiple submitters, no conflicts (2 of 4 stars). 6 submissions from 5 submitters: Benign (3); Likely benign (3). Last evaluated 2026-02-03.

Conditions:
Pontocerebellar hypoplasia type 9. Identifiers: Orphanet 369920, MedGen C4014354, MONDO:0014351, OMIM 615809.
Hereditary spastic paraplegia 63. Also called: Spastic paraplegia 63, autosomal recessive. Identifiers: Orphanet 401805, MedGen C3810295, MONDO:0014305, OMIM 615686.

Allele frequency attached by ClinVar (database versions not stated): gnomAD exomes 0.00085; ExAC 0.00093; ESP Exome Variant Server 0.00200; gnomAD 0.00297 and 0.00302; TOPMed 0.00344; 1000 Genomes Project 0.00459; 1000 Genomes Project 30x 0.00500.
gnomAD v4.1: 1,223 of 1,614,112 alleles (0.076%); highest among the groups gnomAD compares: African/African-American, 1%; 10 homozygotes.

Submissions (6):

Labcorp Genetics (formerly Invitae), Labcorp
Classification: Benign for Pontocerebellar hypoplasia type 9; Hereditary spastic paraplegia 63. Last evaluated: 2026-02-03. Review status: criteria provided, single submitter. Criteria: Invitae Variant Classification Sherloc (09022015). Collection method: clinical testing. Allele origin: germline.

CeGaT Center for Human Genetics Tuebingen
Classification: Likely benign. Last evaluated: 2024-10-01. Review status: criteria provided, single submitter. Criteria: CeGaT Center For Human Genetics Tuebingen Variant Classification Criteria Version 2. Collection method: clinical testing. Allele origin: germline. Affected: yes. Observed: 1 variant allele.
Comment: AMPD2: BP4, BP7, BS1

Genome-Nilou Lab
Classification: Benign for Hereditary spastic paraplegia 63. Last evaluated: 2023-04-11. Review status: criteria provided, single submitter. Criteria: ACMG Guidelines, 2015. Collection method: clinical testing. Allele origin: germline. Affected: no.

Genome-Nilou Lab
Classification: Benign for Pontocerebellar hypoplasia type 9. Last evaluated: 2023-04-11. Review status: criteria provided, single submitter. Criteria: ACMG Guidelines, 2015. Collection method: clinical testing. Allele origin: germline. Affected: no.

GeneDx
Classification: Likely benign. Last evaluated: 2021-02-22. Review status: criteria provided, single submitter. Criteria: GeneDx Variant Classification Process June 2021. Collection method: clinical testing. Allele origin: germline. Affected: yes.

Breakthrough Genomics
Classification: Likely benign. Review status: criteria provided, single submitter. Criteria: ACMG Guidelines, 2015. Collection method: not provided. Allele origin: germline. Inheritance: Autosomal recessive inheritance. Affected: yes.